The following is an entry in ClinVar:

ClinVar aggregate classification (germline): Uncertain significance. Review status: criteria provided, multiple submitters, no conflicts (2 of 4 stars). 2 submissions from 2 submitters: Uncertain significance (2). Last evaluated 2025-08-05.

Conditions:
Inborn genetic diseases. Identifiers: MedGen C0950123, MeSH D030342.
Charcot-Marie-Tooth disease type 4. Also called: Charcot-Marie-Tooth disease, type IV; Charcot-Marie-Tooth, Type 4. Identifiers: Orphanet 64749, MedGen C4082197, MONDO:0018995.

Allele frequency attached by ClinVar (database versions not stated): gnomAD exomes below 0.00001 and 0.00001; ExAC 0.00001; gnomAD 0.00002; TOPMed 0.00002; ESP Exome Variant Server 0.00008.
gnomAD v4.1: 5 of 1,614,030 alleles (0.00031%); highest among the groups gnomAD compares: African/African-American, 0.0067%; no homozygotes.

Submissions (2):

Ambry Genetics
Classification: Uncertain significance for Inborn genetic diseases. Last evaluated: 2025-08-05. Review status: criteria provided, single submitter. Criteria: Ambry Variant Classification Scheme 2023. Collection method: clinical testing. Allele origin: germline.

Labcorp Genetics (formerly Invitae), Labcorp
Classification: Uncertain significance for Charcot-Marie-Tooth disease type 4. Last evaluated: 2022-07-06. Review status: criteria provided, single submitter. Criteria: Invitae Variant Classification Sherloc (09022015). Collection method: clinical testing. Allele origin: germline.
Comment: This sequence change replaces alanine, which is neutral and non-polar, with valine, which is neutral and non-polar, at codon 1168 of the SH3TC2 protein (p.Ala1168Val). This variant is present in population databases (rs372797350, gnomAD 0.01%). This variant has not been reported in the literature in individuals affected with SH3TC2-related conditions. ClinVar contains an entry for this variant (Variation ID: 1367754). Advanced modeling of protein sequence and biophysical properties (such as structural, functional, and spatial information, amino acid conservation, physicochemical variation, residue mobility, and thermodynamic stability) performed at Invitae indicates that this missense variant is not expected to disrupt SH3TC2 protein function. In summary, the available evidence is currently insufficient to determine the role of this variant in disease. Therefore, it has been classified as a Variant of Uncertain Significance.

NM_024577.4(SH3TC2):c.3503C>T (p.Ala1168Val)

Gene: SH3TC2 (SH3 domain and tetratricopeptide repeats 2; minus strand). Cytogenetic location: 5q32.
Variant type: single nucleotide variant.
Coding change: c.3503C>T on transcript NM_024577.4 (MANE Select); coding-DNA position 3503, C replaced by T.
Protein change: p.Ala1168Val; replaces alanine 1168 with valine.
Molecular consequence: missense variant.
Genome position (GRCh38, 1-based): chr5:149,007,053, G>A on the plus strand (C>T on the coding strand, the complement: SH3TC2 is on the minus strand). VCF-style: chr5-149007053-G-A. GRCh37 (hg19) VCF-style: chr5-148386616-G-A.
Other names: c.3503C>T (NM_024577.3); short protein forms A1168V.
Identifiers: ClinVar variation 1367754 (VCV001367754.4), dbSNP rs372797350, ClinGen allele CA3498700.
Genomic context (GRCh38, chr5:149,007,053, plus strand): 5'-CAGTCCTCAGCCATCTCATACATGTGCAGGGAGTAGTACACTGTAGCCAGGCGGTGAAAG[G>A]CCACCAGCTCTTGCCTCTGATCTCCTAAGAATTGGAAGACTGAGAGAGATATCCTGCAAC-3'
Protein context (NP_078853.2, residues 1158-1178): VTGDQRQELV[Ala1168Val]FHRLATVYYS